The following is an entry in ClinVar:

NM_004438.5(EPHA4):c.2836G>A (p.Val946Met)

Gene: EPHA4 (EPH receptor A4; minus strand). Cytogenetic location: 2q36.1.
Variant type: single nucleotide variant.
Coding change: c.2836G>A on transcript NM_004438.5 (MANE Select); coding-DNA position 2836, G replaced by A.
Protein change: p.Val946Met; replaces valine 946 with methionine.
Molecular consequence: missense variant.
Genome position (GRCh38, 1-based): chr2:221,426,474, C>T on the plus strand (G>A on the coding strand, the complement: EPHA4 is on the minus strand). VCF-style: chr2-221426474-C-T. GRCh37 (hg19) VCF-style: chr2-222291194-C-T.
Other names: c.2836G>A, p.Val946Met (NM_001304536.2, NM_001363748.2); c.2683G>A, p.Val895Met (NM_001304537.2); c.2836G>A (NM_004438.3); short protein forms V946M, V895M.
Identifiers: ClinVar variation 1373345 (VCV001373345.7), dbSNP rs201040727, ClinGen allele CA2134670.

ClinVar aggregate classification (germline): Conflicting classifications of pathogenicity. Review status: criteria provided, conflicting classifications (1 of 4 stars). 2 submissions from 2 submitters: Uncertain significance (1); Likely benign (1). Last evaluated 2025-10-22.

Allele frequency attached by ClinVar (database versions not stated): ExAC 0.00007; gnomAD exomes 0.00008 and 0.00010; gnomAD 0.00013 and 0.00016; 1000 Genomes Project 0.00020; 1000 Genomes Project 30x 0.00031; TOPMed 0.00036.
gnomAD v4.1: 148 of 1,603,556 alleles (0.0092%); highest among the groups gnomAD compares: Admixed American, 0.085%; 1 homozygote.

Submissions (2):

Labcorp Genetics (formerly Invitae), Labcorp
Classification: Uncertain significance. Last evaluated: 2025-10-22. Review status: criteria provided, single submitter. Criteria: Invitae Variant Classification Sherloc (09022015). Collection method: clinical testing. Allele origin: germline.
Comment: This sequence change replaces valine, which is neutral and non-polar, with methionine, which is neutral and non-polar, at codon 946 of the EPHA4 protein (p.Val946Met). This variant is present in population databases (rs201040727, gnomAD 0.04%). This variant has not been reported in the literature in individuals affected with EPHA4-related conditions. ClinVar contains an entry for this variant (Variation ID: 1373345). Invitae Evidence Modeling of protein sequence and biophysical properties (such as structural, functional, and spatial information, amino acid conservation, physicochemical variation, residue mobility, and thermodynamic stability) indicates that this missense variant is not expected to disrupt EPHA4 protein function with a negative predictive value of 80%. In summary, the available evidence is currently insufficient to determine the role of this variant in disease. Therefore, it has been classified as a Variant of Uncertain Significance.

Ambry Genetics
Classification: Likely benign. Last evaluated: 2021-11-09. Review status: criteria provided, single submitter. Criteria: Ambry Variant Classification Scheme 2023. Collection method: clinical testing. Allele origin: germline.